The following is an entry in ClinVar:

NM_024675.4(PALB2):c.2164G>A (p.Asp722Asn)

Gene: PALB2 (partner and localizer of BRCA2; minus strand). Cytogenetic location: 16p12.2.
Variant type: single nucleotide variant.
Coding change: c.2164G>A on transcript NM_024675.4 (MANE Select); coding-DNA position 2164, G replaced by A.
Protein change: p.Asp722Asn; replaces aspartic acid 722 with asparagine.
Molecular consequence: missense variant.
Genome position (GRCh38, 1-based): chr16:23,629,990, C>T on the plus strand (G>A on the coding strand, the complement: PALB2 is on the minus strand). VCF-style: chr16-23629990-C-T. GRCh37 (hg19) VCF-style: chr16-23641311-C-T.
Other names: short protein forms D722N.
Identifiers: ClinVar variation 481006 (VCV000481006.4), dbSNP rs1555460464, ClinGen allele CA395125668.

ClinVar aggregate classification (germline): Uncertain significance (1 of 4 stars; one submission).

Conditions:
Hereditary cancer-predisposing syndrome. Also called: Hereditary Cancer Syndrome; Neoplastic Syndromes, Hereditary; Tumor predisposition; Hereditary neoplastic syndrome. Identifiers: Orphanet 140162, MedGen C0027672, MeSH D009386, MONDO:0015356.

Submission:

Ambry Genetics
Classification: Uncertain significance for Hereditary cancer-predisposing syndrome. Last evaluated: 2016-02-13. Review status: criteria provided, single submitter. Criteria: Ambry Variant Classification Scheme 2023. Collection method: clinical testing. Allele origin: germline.
Comment: The p.D722N variant (also known as c.2164G>A), located in coding exon 5 of the PALB2 gene, results from a G to A substitution at nucleotide position 2164. The aspartic acid at codon 722 is replaced by asparagine, an amino acid with highly similar properties. This variant was not reported in population based cohorts in the following databases: Database of Single Nucleotide Polymorphisms (dbSNP), NHLBI Exome Sequencing Project (ESP), and 1000 Genomes Project. In the ESP, this variant was not observed in 6497 samples (12994 alleles) with coverage at this position. To date, this alteration has been detected with an allele frequency of approximately 0.001% (greater than 130000 alleles tested) in our clinical cohort. This amino acid position is not well conserved in available vertebrate species. In addition, this alteration is predicted to be possibly damaging yet tolerated by PolyPhen and SIFT in silico analyses, respectively. Since supporting evidence is limited at this time, the clinical significance of this alteration remains unclear.